The following is an entry in ClinVar:

NM_052859.4(RFT1):c.1458+5G>A

Gene: RFT1 (RFT1 glycolipid translocator homolog; minus strand). Cytogenetic location: 3p21.1.
Variant type: single nucleotide variant.
Coding change: c.1458+5G>A on transcript NM_052859.4 (MANE Select); 5 bases into the intron after coding-DNA position 1458, G replaced by A.
Molecular consequence: intron variant.
Genome position (GRCh38, 1-based): chr3:53,092,364, C>T on the plus strand (G>A on the coding strand, the complement: RFT1 is on the minus strand). VCF-style: chr3-53092364-C-T. GRCh37 (hg19) VCF-style: chr3-53126380-C-T.
Identifiers: ClinVar variation 2572506 (VCV002572506.1), dbSNP rs1348030381, ClinGen allele CA543060411.
Genomic context (GRCh38, chr3:53,092,364, plus strand): 5'-GCCTAGCGGGAGAGACAGCGGGGCAGCTGCAGAAGCATGTGGCATGATGGCTCAGGGAGT[C>T]TCACCTCCGAAACAGCAGTAACCCCACCACTGAGGGCAAATGTCCCGAGCAGGACTGGCG-3'

ClinVar aggregate classification (germline): Uncertain significance (1 of 4 stars; one submission).

Conditions:
RFT1-congenital disorder of glycosylation (CDG1N). Also called: Congenital disorder of glycosylation type In; RFT1-CDG; CDG In. Identifiers: Orphanet 244310, MedGen C2677590, MONDO:0012783, OMIM 612015.

Submission:

3billion
Classification: Uncertain significance for RFT1-congenital disorder of glycosylation. Review status: criteria provided, single submitter. Criteria: ACMG Guidelines, 2015. Collection method: clinical testing. Allele origin: unknown. Affected: yes. Observed: 1 heterozygote.
Comment: The variant is not observed in the gnomAD v2.1.1 dataset. Intron variant. In silico tools predict the variant to alter splicing and produce an abnormal transcript (SpliceAI: 0.77). However, the evidence of pathogenicity is insufficient at this time. Therefore, this variant is classified as Uncertain significance according to the recommendation of ACMG/AMP guideline.